The following is an entry in ClinVar:

ClinVar aggregate classification (germline): Uncertain significance (1 of 4 stars; one submission).

Conditions:
Hereditary spastic paraplegia 11. Also called: SPASTIC PARAPLEGIA, AUTOSOMAL RECESSIVE, COMPLICATED, WITH THIN CORPUS CALLOSUM; SPASTIC PARAPLEGIA, AUTOSOMAL RECESSIVE, WITH MENTAL IMPAIRMENT AND THIN CORPUS CALLOSUM; Spastic Paraplegia 11; Spastic paraplegia, mental retardation and thin corpus callosum; Nakamura Osame syndrome; Autosomal recessive hereditary spastic paraplegia, mental impairment, and thin corpus callosum. Identifiers: Orphanet 2822, MedGen C1858479, MONDO:0011445, OMIM 604360.

gnomAD v4.1: 1 of 1,614,112 alleles (0.000062%); highest among the groups gnomAD compares: Non-Finnish European, 0.000085%; no homozygotes.

Submission:

Labcorp Genetics (formerly Invitae), Labcorp
Classification: Uncertain significance for Hereditary spastic paraplegia 11. Last evaluated: 2026-01-12. Review status: criteria provided, single submitter. Criteria: Invitae Variant Classification Sherloc (09022015). Collection method: clinical testing. Allele origin: germline.
Comment: This sequence change replaces leucine, which is neutral and non-polar, with valine, which is neutral and non-polar, at codon 2326 of the SPG11 protein (p.Leu2326Val). This variant is present in population databases (no rsID available, gnomAD 0.0009%). This variant has not been reported in the literature in individuals affected with SPG11-related conditions. ClinVar contains an entry for this variant (Variation ID: 3671357). Invitae Evidence Modeling of protein sequence and biophysical properties (such as structural, functional, and spatial information, amino acid conservation, physicochemical variation, residue mobility, and thermodynamic stability) indicates that this missense variant is not expected to disrupt SPG11 protein function with a negative predictive value of 80%. In summary, the available evidence is currently insufficient to determine the role of this variant in disease. Therefore, it has been classified as a Variant of Uncertain Significance.

NM_025137.4(SPG11):c.6976C>G (p.Leu2326Val)

Gene: SPG11 (SPG11 vesicle trafficking associated, spatacsin; minus strand). Cytogenetic location: 15q21.1.
Variant type: single nucleotide variant.
Coding change: c.6976C>G on transcript NM_025137.4 (MANE Select); coding-DNA position 6976, C replaced by G.
Protein change: p.Leu2326Val; replaces leucine 2326 with valine.
Molecular consequence: missense variant.
Genome position (GRCh38, 1-based): chr15:44,565,877, G>C on the plus strand (C>G on the coding strand, the complement: SPG11 is on the minus strand). VCF-style: chr15-44565877-G-C. GRCh37 (hg19) VCF-style: chr15-44858075-G-C.
Other names: c.6637C>G, p.Leu2213Val (NM_001160227.2); c.6832C>G, p.Leu2278Val (NM_001411132.1); short protein forms L2213V, L2326V, L2278V.
Identifiers: ClinVar variation 3671357 (VCV003671357.2).